The following is an entry in ClinVar:

ClinVar aggregate classification (germline): Uncertain significance (1 of 4 stars; one submission).

Conditions:
Chuvash polycythemia. Also called: POLYCYTHEMIA, VHL-DEPENDENT. Identifiers: Orphanet 238557, MedGen C1837915, MONDO:0009892, OMIM 263400.
Von Hippel-Lindau syndrome (VHLS). Also called: Von Hippel-Lindau; von Hippel–Lindau syndrome; VHL syndrome. Identifiers: Orphanet 892, MedGen C0019562, MONDO:0008667, OMIM 193300. Disease mechanism: loss of function.

Submission:

Labcorp Genetics (formerly Invitae), Labcorp
Classification: Uncertain significance for Von Hippel-Lindau syndrome; Chuvash polycythemia. Last evaluated: 2022-07-21. Review status: criteria provided, single submitter. Criteria: Invitae Variant Classification Sherloc (09022015). Collection method: clinical testing. Allele origin: germline.
Comment: This sequence change falls in intron 1 of the VHL gene. It is not expected to change the encoded amino acid sequence of the VHL protein. However, this sequence change falls within a cryptic exon in the VHL gene, known as exon E1’, which is naturally expressed at low levels in several human tissues (PMID: 29891534). This variant is not present in population databases (gnomAD no frequency). This variant has not been reported in the literature in individuals affected with VHL-related conditions. ClinVar contains an entry for this variant (Variation ID: 1056712). In summary, the available evidence is currently insufficient to determine the role of this variant in disease. Therefore, it has been classified as a Variant of Uncertain Significance. Algorithms developed to predict the effect of sequence changes on RNA splicing suggest that this variant is not likely to affect RNA splicing. Experimental studies and prediction algorithms are not available or were not evaluated, and the functional significance of this variant is currently unknown.

Literature cited by the submitters: PubMed 29891534.

NM_000551.4(VHL):c.340+710T>G

Genes: VHL (von Hippel-Lindau tumor suppressor; plus strand), LOC107303340 (3p25 von Hippel-Lindau tumor suppressor, E3 ubiquitin protein ligase Alu-mediated recombination region; plus strand). Cytogenetic location: 3p25.3.
Variant type: single nucleotide variant.
Coding change: c.340+710T>G on transcript NM_000551.4 (MANE Select); 710 bases into the intron after coding-DNA position 340, T replaced by G.
Molecular consequence: intron variant. On other transcripts: missense variant (1).
Genome position (GRCh38, 1-based): chr3:10,142,897, T>G. VCF-style: chr3-10142897-T-G. GRCh37 (hg19) VCF-style: chr3-10184581-T-G.
Other names: c.475T>G, p.Trp159Gly (NM_001354723.2); c.340+710T>G (NM_198156.3); short protein forms W159G.
Identifiers: ClinVar variation 1056712 (VCV001056712.12), dbSNP rs2125126011, ClinGen allele CA2499216365.